The following is an entry in ClinVar:

ClinVar aggregate classification (germline): Uncertain significance (1 of 4 stars; one submission).

Conditions:
Immunodeficiency, common variable, 4. Also called: ANTIBODY DEFICIENCY DUE TO BAFFR DEFECT. Identifiers: Orphanet 1572, Orphanet 696925, MedGen C3150739, MONDO:0013284, OMIM 613494.

gnomAD v4.1: 5 of 1,611,340 alleles (0.00031%); highest among the groups gnomAD compares: Admixed American, 0.0083%; no homozygotes.

Submission:

Labcorp Genetics (formerly Invitae), Labcorp
Classification: Uncertain significance for Immunodeficiency, common variable, 4. Last evaluated: 2024-04-15. Review status: criteria provided, single submitter. Criteria: Invitae Variant Classification Sherloc (09022015). Collection method: clinical testing. Allele origin: germline.
Comment: This sequence change replaces arginine, which is basic and polar, with serine, which is neutral and polar, at codon 109 of the TNFRSF13C protein (p.Arg109Ser). This variant is present in population databases (no rsID available, gnomAD 0.01%). This variant has not been reported in the literature in individuals affected with TNFRSF13C-related conditions. An algorithm developed to predict the effect of missense changes on protein structure and function (PolyPhen-2) suggests that this variant is likely to be tolerated. In summary, the available evidence is currently insufficient to determine the role of this variant in disease. Therefore, it has been classified as a Variant of Uncertain Significance.

NM_052945.4(TNFRSF13C):c.325C>A (p.Arg109Ser)

Genes: TNFRSF13C (TNF receptor superfamily member 13C; minus strand), LOC130067574 (ATAC-STARR-seq lymphoblastoid silent region 13813; plus strand). Cytogenetic location: 22q13.2.
Variant type: single nucleotide variant.
Coding change: c.325C>A on transcript NM_052945.4 (MANE Select); coding-DNA position 325, C replaced by A.
Protein change: p.Arg109Ser; replaces arginine 109 with serine.
Molecular consequence: missense variant.
Genome position (GRCh38, 1-based): chr22:41,926,143, G>T on the plus strand (C>A on the coding strand, the complement: TNFRSF13C is on the minus strand). VCF-style: chr22-41926143-G-T. GRCh37 (hg19) VCF-style: chr22-42322147-G-T.
Other names: short protein forms R109S.
Identifiers: ClinVar variation 3627837 (VCV003627837.2).